The following is an entry in ClinVar:

NM_001271938.2(MEGF8):c.4264G>A (p.Val1422Met)

Gene: MEGF8 (multiple EGF like domains 8; plus strand). Cytogenetic location: 19q13.2.
Variant type: single nucleotide variant.
Coding change: c.4264G>A on transcript NM_001271938.2 (MANE Select); coding-DNA position 4264, G replaced by A.
Protein change: p.Val1422Met; replaces valine 1422 with methionine.
Molecular consequence: missense variant.
Genome position (GRCh38, 1-based): chr19:42,355,877, G>A. VCF-style: chr19-42355877-G-A. GRCh37 (hg19) VCF-style: chr19-42860029-G-A.
Other names: c.4063G>A, p.Val1355Met (NM_001410.3); c.4063G>A (NM_001410.2); short protein forms V1355M, V1422M.
Identifiers: ClinVar variation 1376977 (VCV001376977.4), dbSNP rs141221243, ClinGen allele CA9475215.

ClinVar aggregate classification (germline): Uncertain significance. Review status: criteria provided, multiple submitters, no conflicts (2 of 4 stars). 2 submissions from 2 submitters: Uncertain significance (2). Last evaluated 2022-09-01.

Conditions:
Inborn genetic diseases. Identifiers: MedGen C0950123, MeSH D030342.
MEGF8-related Carpenter syndrome. Also called: Carpenter syndrome 2. Identifiers: Orphanet 65759, MedGen C3554247, MONDO:0013998, OMIM 614976.

Allele frequency attached by ClinVar (database versions not stated): gnomAD exomes 0.00006; ExAC 0.00023; ESP Exome Variant Server 0.00023; gnomAD 0.00027 and 0.00031; TOPMed 0.00029; 1000 Genomes Project 0.00040; 1000 Genomes Project 30x 0.00062.

Submissions (2):

Labcorp Genetics (formerly Invitae), Labcorp
Classification: Uncertain significance for MEGF8-related Carpenter syndrome. Last evaluated: 2022-09-01. Review status: criteria provided, single submitter. Criteria: Invitae Variant Classification Sherloc (09022015). Collection method: clinical testing. Allele origin: germline.
Comment: This sequence change replaces valine, which is neutral and non-polar, with methionine, which is neutral and non-polar, at codon 1355 of the MEGF8 protein (p.Val1355Met). This variant is present in population databases (rs141221243, gnomAD 0.08%). This variant has not been reported in the literature in individuals affected with MEGF8-related conditions. ClinVar contains an entry for this variant (Variation ID: 1376977). Algorithms developed to predict the effect of missense changes on protein structure and function (SIFT, PolyPhen-2, Align-GVGD) all suggest that this variant is likely to be tolerated. In summary, the available evidence is currently insufficient to determine the role of this variant in disease. Therefore, it has been classified as a Variant of Uncertain Significance.

Ambry Genetics
Classification: Uncertain significance for Inborn genetic diseases. Last evaluated: 2021-08-12. Review status: criteria provided, single submitter. Criteria: Ambry Variant Classification Scheme 2023. Collection method: clinical testing. Allele origin: germline.